The following is an entry in ClinVar:

NM_022437.3(ABCG8):c.1125A>G (p.Glu375=)

Gene: ABCG8 (ATP binding cassette subfamily G member 8; plus strand). Cytogenetic location: 2p21.
Variant type: single nucleotide variant.
Coding change: c.1125A>G on transcript NM_022437.3 (MANE Select); coding-DNA position 1125, A replaced by G.
Protein change: p.Glu375=; no amino-acid change (glutamic acid 375 retained).
Molecular consequence: synonymous variant.
Genome position (GRCh38, 1-based): chr2:43,872,136, A>G. VCF-style: chr2-43872136-A-G. GRCh37 (hg19) VCF-style: chr2-44099275-A-G.
Other names: c.1125A>G, p.Glu375= (NM_001357321.2).
Identifiers: ClinVar variation 501433 (VCV000501433.18), dbSNP rs371968769, ClinGen allele CA1637286.
Genomic context (GRCh38, chr2:43,872,136, plus strand): 5'-CTTAGATGACTTTCTATGGAAAGCAGAGACGAAGGATCTTGACGAGGACACCTGTGTGGA[A>G]AGGTAAGGTGGCAGGCGACTCTGAGAGGAGAGCTCCCTGCAGAAGGTGGCTGCCCCCATG-3'
Protein context (NP_071882.1, residues 365-385): TKDLDEDTCV[Glu375=]SSVTPLDTNC

ClinVar aggregate classification (germline): Conflicting classifications of pathogenicity. Review status: criteria provided, conflicting classifications (1 of 4 stars). 4 submissions from 4 submitters: Uncertain significance (1); Likely benign (2). 1 of the submissions does not count toward it. Last evaluated 2026-01-28.

Conditions:
Cardiovascular phenotype. Identifiers: MedGen CN230736.
ABCG8-related disorder. Also called: ABCG8-related condition.

Allele frequency attached by ClinVar (database versions not stated): gnomAD exomes 0.00001 and 0.00002; ExAC 0.00002; gnomAD 0.00003; ESP Exome Variant Server 0.00008; TOPMed 0.00002.
gnomAD v4.1: 19 of 1,613,992 alleles (0.0012%); highest among the groups gnomAD compares: Non-Finnish European, 0.0014%; no homozygotes.

Submissions (4):

Labcorp Genetics (formerly Invitae), Labcorp
Classification: Likely benign. Last evaluated: 2026-01-28. Review status: criteria provided, single submitter. Criteria: Invitae Variant Classification Sherloc (09022015). Collection method: clinical testing. Allele origin: germline.

Ambry Genetics
Classification: Likely benign for Cardiovascular phenotype. Last evaluated: 2022-09-13. Review status: criteria provided, single submitter. Criteria: Ambry Variant Classification Scheme 2023. Collection method: clinical testing. Allele origin: germline.

Eurofins Ntd Llc (ga)
Classification: Uncertain significance. Last evaluated: 2017-04-11. Review status: criteria provided, single submitter. Criteria: EGL Classification Definitions 2015. Collection method: clinical testing. Allele origin: germline. Observed: 3 variant alleles, 3 heterozygotes.

PreventionGenetics, part of Exact Sciences
Classification: Likely benign for ABCG8-related condition. Last evaluated: 2021-06-28. Review status: no assertion criteria provided. Collection method: clinical testing. Allele origin: germline. Not counted in ClinVar's aggregate classification.
Comment: This variant is classified as likely benign based on ACMG/AMP sequence variant interpretation guidelines (Richards et al. 2015 PMID: 25741868, with internal and published modifications).